The following is an entry in ClinVar:

NM_004360.5(CDH1):c.66C>A (p.Cys22Ter)

Gene: CDH1 (cadherin 1; plus strand). Cytogenetic location: 16q22.1.
Variant type: single nucleotide variant.
Coding change: c.66C>A on transcript NM_004360.5 (MANE Select); coding-DNA position 66, C replaced by A.
Protein change: p.Cys22Ter; replaces cysteine 22 with a stop codon.
Molecular consequence: nonsense. On other transcripts: 5 prime UTR variant (2).
Genome position (GRCh38, 1-based): chr16:68,738,314, C>A. VCF-style: chr16-68738314-C-A. GRCh37 (hg19) VCF-style: chr16-68772217-C-A.
Other names: c.66C>A, p.Cys22Ter (NM_001317184.2); c.-1550C>A (NM_001317185.2); c.-1754C>A (NM_001317186.2); short protein forms C22*.
Identifiers: ClinVar variation 1456385 (VCV001456385.6), dbSNP rs865838543, ClinGen allele CA283274268.

ClinVar aggregate classification (germline): Pathogenic (1 of 4 stars; one submission).

Conditions:
Hereditary diffuse gastric adenocarcinoma (HDGC). Also called: DIFFUSE GASTRIC AND LOBULAR BREAST CANCER SYNDROME. Identifiers: Orphanet 26106, MedGen C1708349, MONDO:0007648, OMIM 137215.

Submission:

Labcorp Genetics (formerly Invitae), Labcorp
Classification: Pathogenic for Hereditary diffuse gastric adenocarcinoma. Last evaluated: 2022-03-19. Review status: criteria provided, single submitter. Criteria: Invitae Variant Classification Sherloc (09022015). Collection method: clinical testing. Allele origin: germline.
Comment: For these reasons, this variant has been classified as Pathogenic. Algorithms developed to predict the effect of sequence changes on RNA splicing suggest that this variant may create or strengthen a splice site. This variant has not been reported in the literature in individuals affected with CDH1-related conditions. This variant is not present in population databases (gnomAD no frequency). This sequence change creates a premature translational stop signal (p.Cys22*) in the CDH1 gene. It is expected to result in an absent or disrupted protein product. Loss-of-function variants in CDH1 are known to be pathogenic (PMID: 15235021, 20373070).

Literature cited by the submitters: PubMed 15235021; PubMed 20373070.